The following is an entry in ClinVar:

ClinVar aggregate classification (germline): Uncertain significance. Review status: criteria provided, single submitter (1 of 4 stars). 2 submissions from 2 submitters: Uncertain significance (1). 1 of the submissions does not count toward it. Last evaluated 2025-12-16.

Conditions:
PKD1-related disorder. Also called: PKD1-related condition.

Submissions (2):

GeneDx
Classification: Uncertain significance. Last evaluated: 2025-12-16. Review status: criteria provided, single submitter. Criteria: GeneDx Variant Classification Process June 2021. Collection method: clinical testing. Allele origin: germline. Affected: yes.
Comment: Not observed at significant frequency in large population cohorts (gnomAD); In silico analysis supports that this missense variant has a deleterious effect on protein structure/function; Has not been previously published as pathogenic or benign to our knowledge

PreventionGenetics, part of Exact Sciences
Classification: Uncertain significance for PKD1-related condition. Last evaluated: 2023-11-01. Review status: no assertion criteria provided. Collection method: clinical testing. Allele origin: germline. Not counted in ClinVar's aggregate classification.
Comment: The PKD1 c.12679G>T variant is predicted to result in the amino acid substitution p.Asp4227Tyr. To our knowledge, this variant has not been reported in the literature or in a large population database, indicating this variant is rare. At this time, the clinical significance of this variant is uncertain due to the absence of conclusive functional and genetic evidence.

NM_001009944.3(PKD1):c.12679G>T (p.Asp4227Tyr)

Gene: PKD1 (polycystin 1, transient receptor potential channel interacting; minus strand). Cytogenetic location: 16p13.3.
Variant type: single nucleotide variant.
Coding change: c.12679G>T on transcript NM_001009944.3 (MANE Select); coding-DNA position 12679, G replaced by T.
Protein change: p.Asp4227Tyr; replaces aspartic acid 4227 with tyrosine.
Molecular consequence: missense variant.
Genome position (GRCh38, 1-based): chr16:2,089,960, C>A on the plus strand (G>T on the coding strand, the complement: PKD1 is on the minus strand). VCF-style: chr16-2089960-C-A. GRCh37 (hg19) VCF-style: chr16-2139961-C-A.
Other names: c.12676G>T, p.Asp4226Tyr (NM_000296.4); short protein forms D4226Y, D4227Y.
Identifiers: ClinVar variation 2446577 (VCV002446577.4), dbSNP rs2544576994, ClinGen allele CA394320957.